The following is an entry in ClinVar:

ClinVar aggregate classification (germline): Pathogenic (1 of 4 stars; one submission).

Conditions:
Mucopolysaccharidosis, MPS-III-C (MPS3C). Also called: MPS III C; MUCOPOLYSACCHARIDOSIS, TYPE IIIC; Mucopolysaccharidosis type IIIC (Sanfilippo C); mucopolysaccharidosis type 3C; MPS IIIC (Sanfilippo Syndrome Type C); SANFILIPPO SYNDROME C. Identifiers: Orphanet 581, Orphanet 79271, MedGen C0086649, MONDO:0009657, OMIM 252930.

Submission:

Myriad Genetics, Inc.
Classification: Pathogenic for Mucopolysaccharidosis, MPS-III-C. Last evaluated: 2025-01-31. Review status: criteria provided, single submitter. Criteria: Myriad Autosomal Dominant, Autosomal Recessive and X-Linked Classification Criteria (2023). Collection method: clinical testing. Allele origin: unknown.
Comment: NM_152419.2(HGSNAT):c.868G>T(G290*) is expected to be pathogenic in the context of mucopolysaccharidosis type IIIC. This variant is predicted to lead to an abnormal or absent protein product due to the creation of a premature termination codon in HGSNAT, a gene where loss-of-function variants are known to be pathogenic. Please note: this variant was assessed in the context of healthy population screening.

NM_152419.3(HGSNAT):c.868G>T (p.Gly290Ter)

Gene: HGSNAT (heparan-alpha-glucosaminide N-acetyltransferase; plus strand). Cytogenetic location: 8p11.21.
Variant type: single nucleotide variant.
Coding change: c.868G>T on transcript NM_152419.3 (MANE Select); coding-DNA position 868, G replaced by T.
Protein change: p.Gly290Ter; replaces glycine 290 with a stop codon.
Molecular consequence: nonsense. On other transcripts: intron variant (1).
Genome position (GRCh38, 1-based): chr8:43,178,090, G>T. VCF-style: chr8-43178090-G-T. GRCh37 (hg19) VCF-style: chr8-43033233-G-T.
Other names: c.868G>T, p.Gly290Ter (NM_001363227.2); c.4G>T, p.Gly2Ter (NM_001363229.2); c.821-4055G>T (NM_001363228.2); short protein forms G2*, G290*.
Identifiers: ClinVar variation 5014046 (VCV005014046.1).
Genomic context (GRCh38, chr8:43,178,090, plus strand): 5'-AAAATTTGGAAATGGCCACCTATTAATAACTAGATTCTTTTTAGGTTTGTATTTATTATG[G>T]GATCTTCCATTTTTCTATCGATGACTTCTATACTGCAACGGGGGTGTTCAAAATTCAGAT-3'